The following is an entry in ClinVar:

NM_002294.3(LAMP2):c.49G>A (p.Val17Ile)

Gene: LAMP2 (lysosome associated membrane protein 2; minus strand). Cytogenetic location: Xq24.
Variant type: single nucleotide variant.
Coding change: c.49G>A on transcript NM_002294.3 (MANE Select); coding-DNA position 49, G replaced by A.
Protein change: p.Val17Ile; replaces valine 17 with isoleucine.
Molecular consequence: missense variant.
Genome position (GRCh38, 1-based): chrX:120,469,121, C>T on the plus strand (G>A on the coding strand, the complement: LAMP2 is on the minus strand). VCF-style: chrX-120469121-C-T. GRCh37 (hg19) VCF-style: chrX-119602976-C-T.
Other names: c.49G>A, p.Val17Ile (NM_001122606.1, NM_013995.2); short protein forms V17I.
Identifiers: ClinVar variation 1448795 (VCV001448795.8), dbSNP rs777718603, ClinGen allele CA10505372.

ClinVar aggregate classification (germline): Uncertain significance. Review status: criteria provided, multiple submitters, no conflicts (2 of 4 stars). 2 submissions from 2 submitters: Uncertain significance (2). Last evaluated 2024-11-11.

Conditions:
Danon disease. Also called: PSEUDOGLYCOGENOSIS II; GSD IIb; LYSOSOMAL GLYCOGEN STORAGE DISEASE WITHOUT ACID MALTASE DEFICIENCY; ANTOPOL DISEASE; Glycogen Storage Disease Type IIb. Identifiers: Orphanet 34587, MedGen C0878677, MONDO:0010281, OMIM 300257.
Cardiovascular phenotype. Identifiers: MedGen CN230736.

gnomAD v4.1: 4 of 1,212,083 alleles (0.00033%); highest among the groups gnomAD compares: African/African-American, 0.0052%; no homozygotes.

Submissions (2):

Labcorp Genetics (formerly Invitae), Labcorp
Classification: Uncertain significance for Danon disease. Last evaluated: 2024-11-11. Review status: criteria provided, single submitter. Criteria: Invitae Variant Classification Sherloc (09022015). Collection method: clinical testing. Allele origin: germline.
Comment: This sequence change replaces valine, which is neutral and non-polar, with isoleucine, which is neutral and non-polar, at codon 17 of the LAMP2 protein (p.Val17Ile). This variant is present in population databases (rs777718603, gnomAD 0.02%), including at least one homozygous and/or hemizygous individual. This variant has not been reported in the literature in individuals affected with LAMP2-related conditions. ClinVar contains an entry for this variant (Variation ID: 1448795). An algorithm developed to predict the effect of missense changes on protein structure and function (PolyPhen-2) suggests that this variant is likely to be tolerated. In summary, the available evidence is currently insufficient to determine the role of this variant in disease. Therefore, it has been classified as a Variant of Uncertain Significance.

Ambry Genetics
Classification: Uncertain significance for Cardiovascular phenotype. Last evaluated: 2022-08-08. Review status: criteria provided, single submitter. Criteria: Ambry Variant Classification Scheme 2023. Collection method: clinical testing. Allele origin: germline.
Comment: The p.V17I variant (also known as c.49G>A), located in coding exon 1 of the LAMP2 gene, results from a G to A substitution at nucleotide position 49. The valine at codon 17 is replaced by isoleucine, an amino acid with highly similar properties. Based on data from gnomAD, the A allele has an overall frequency of 0.0011% (2/182167) total alleles studied, with 1 hemizygote(s) observed. The highest observed frequency was 0.0153% (2/13095) of African alleles. This amino acid position is poorly conserved in available vertebrate species. In addition, this alteration is predicted to be tolerated by in silico analysis. Since supporting evidence is limited at this time, the clinical significance of this alteration remains unclear.